The following is an entry in ClinVar:

NM_001277313.2(FMN1):c.946C>A (p.Pro316Thr)

Gene: FMN1 (formin 1; minus strand). Cytogenetic location: 15q13.3.
Variant type: single nucleotide variant.
Coding change: c.946C>A on transcript NM_001277313.2 (MANE Select); coding-DNA position 946, C replaced by A.
Protein change: p.Pro316Thr; replaces proline 316 with threonine.
Molecular consequence: missense variant.
Genome position (GRCh38, 1-based): chr15:33,153,969, G>T on the plus strand (C>A on the coding strand, the complement: FMN1 is on the minus strand). VCF-style: chr15-33153969-G-T. GRCh37 (hg19) VCF-style: chr15-33446170-G-T.
Other names: c.946C>A (NM_001277313.1); c.946C>A, p.Pro316Thr (NM_001277314.2); short protein forms P316T.
Identifiers: ClinVar variation 2713020 (VCV002713020.5), dbSNP rs566882134, ClinGen allele CA7457558.
Genomic context (GRCh38, chr15:33,153,969, plus strand): 5'-GGTCCTGAACTTTGGCCACCACTTTGGAGACAGGTTTCTGCTTGCAAGTCCGCTTAGCCG[G>T]CTTCTCCATCTCATCCTTTTCTGCCTCTGGATGCTTCTCAGGGTCCTGGTGACTTTCAGA-3'
Protein context (NP_001264242.1, residues 306-326): PEAEKDEMEK[Pro316Thr]AKRTCKQKPV

ClinVar aggregate classification (germline): Benign. Review status: criteria provided, single submitter (1 of 4 stars). 2 submissions from 2 submitters: Benign (1). 1 of the submissions does not count toward it. Last evaluated 2025-12-24.

Conditions:
FMN1-related disorder. Also called: FMN1-related condition.

Allele frequency attached by ClinVar (database versions not stated): ExAC 0.00045; gnomAD 0.00179; 1000 Genomes Project 0.00180; 1000 Genomes Project 30x 0.00203; TOPMed 0.00223.
gnomAD v4.1: 527 of 1,536,738 alleles (0.034%); highest among the groups gnomAD compares: African/African-American, 0.68%; 4 homozygotes.

Submissions (2):

Labcorp Genetics (formerly Invitae), Labcorp
Classification: Benign. Last evaluated: 2025-12-24. Review status: criteria provided, single submitter. Criteria: Invitae Variant Classification Sherloc (09022015). Collection method: clinical testing. Allele origin: germline.

PreventionGenetics, part of Exact Sciences
Classification: Benign for FMN1-related condition. Last evaluated: 2020-11-24. Review status: no assertion criteria provided. Collection method: clinical testing. Allele origin: germline. Not counted in ClinVar's aggregate classification.
Comment: This variant is classified as benign based on ACMG/AMP sequence variant interpretation guidelines (Richards et al. 2015 PMID: 25741868, with internal and published modifications).